The following is an entry in ClinVar:

ClinVar aggregate classification (germline): Uncertain significance (1 of 4 stars; one submission).

Conditions:
Joubert syndrome. Also called: CEREBELLOPARENCHYMAL DISORDER IV; JOUBERT-BOLTSHAUSER SYNDROME; Familial aplasia of the vermis. Identifiers: Orphanet 475, MedGen C5979921, MONDO:0018772.

Submission:

Labcorp Genetics (formerly Invitae), Labcorp
Classification: Uncertain significance for Joubert syndrome. Last evaluated: 2021-08-27. Review status: criteria provided, single submitter. Criteria: Invitae Variant Classification Sherloc (09022015). Collection method: clinical testing. Allele origin: germline.
Comment: This variant has not been reported in the literature in individuals affected with INPP5E-related conditions. In summary, the available evidence is currently insufficient to determine the role of this variant in disease. Therefore, it has been classified as a Variant of Uncertain Significance. Advanced modeling of protein sequence and biophysical properties (such as structural, functional, and spatial information, amino acid conservation, physicochemical variation, residue mobility, and thermodynamic stability) performed at Invitae indicates that this missense variant is expected to disrupt INPP5E protein function. This variant is not present in population databases (ExAC no frequency). This sequence change replaces aspartic acid with valine at codon 490 of the INPP5E protein (p.Asp490Val). The aspartic acid residue is weakly conserved and there is a large physicochemical difference between aspartic acid and valine.

NM_019892.6(INPP5E):c.1469A>T (p.Asp490Val)

Gene: INPP5E (inositol polyphosphate-5-phosphatase E; minus strand). Cytogenetic location: 9q34.3.
Variant type: single nucleotide variant.
Coding change: c.1469A>T on transcript NM_019892.6 (MANE Select); coding-DNA position 1469, A replaced by T.
Protein change: p.Asp490Val; replaces aspartic acid 490 with valine.
Molecular consequence: missense variant.
Genome position (GRCh38, 1-based): chr9:136,431,904, T>A on the plus strand (A>T on the coding strand, the complement: INPP5E is on the minus strand). VCF-style: chr9-136431904-T-A. GRCh37 (hg19) VCF-style: chr9-139326356-T-A.
Other names: c.1466A>T, p.Asp489Val (NM_001318502.2); short protein forms D489V, D490V.
Identifiers: ClinVar variation 1479673 (VCV001479673.6), dbSNP rs1835715112, ClinGen allele CA375562385.
Genomic context (GRCh38, chr9:136,431,904, plus strand): 5'-AGCTGGTCGTGCTGCAGCAGCGCCGGCACGTCCACCACCAGGCCCTGGCACAGGAGGGCG[T>A]CCACGACTGTGCGCCCGCCACTCAGGCGGAAGTTGAAGTCTCCAAACCAGAACACCTCAT-3'
Protein context (NP_063945.2, residues 480-500): FRLSGGRTVV[Asp490Val]ALLCQGLVVD